The following is an entry in ClinVar:

ClinVar aggregate classification (germline): Likely pathogenic (1 of 4 stars; one submission).

Conditions:
Intellectual disability, X-linked 102 (MRXSSB). Also called: Intellectual developmental disorder, X-linked syndromic, Snijders Blok type. Identifiers: Orphanet 457260, MedGen C5393299, MONDO:0010497, OMIM 300958.

Submission:

Greenwood Genetic Center Diagnostic Laboratories, Greenwood Genetic Center
Classification: Likely pathogenic for Intellectual disability, X-linked 102. Last evaluated: 2023-06-15. Review status: criteria provided, single submitter. Criteria: ACMG Guidelines, 2015. Collection method: clinical testing. Allele origin: germline. Affected: yes.
Comment: PVS1, PM2

NM_001356.5(DDX3X):c.1155del (p.Pro386fs)

Gene: DDX3X (DEAD-box helicase 3 X-linked; plus strand). Cytogenetic location: Xp11.4.
Variant type: Deletion.
Coding change: c.1155del on transcript NM_001356.5 (MANE Select); coding-DNA position 1155, one base deleted (T; older notation c.1155delT).
Protein change: p.Pro386fs; shifts the reading frame from proline 386.
Molecular consequence: frameshift variant. On other transcripts: non-coding transcript variant (1).
Genome position (GRCh38, 1-based): chrX:41,345,309, T deleted; the last of 4 consecutive T bases (chrX:41,345,306-41,345,309); deleting any one gives the same sequence. VCF-style (leftmost placement, unchanged base first): chrX-41345305-CT-C. GRCh37 (hg19) VCF-style: chrX-41204558-CT-C.
Other names: c.1155del, p.Pro386fs (NM_001193416.3); c.1107del, p.Pro370fs (NM_001193417.3); c.597del, p.Pro200fs (NM_001363819.1); short protein forms P200fs, P370fs, P386fs.
Identifiers: ClinVar variation 2572273 (VCV002572273.1), dbSNP rs2519518686, ClinGen allele CA2580616997.